The following is an entry in ClinVar:

NM_005228.5(EGFR):c.1438C>A (p.Leu480Met)

Gene: EGFR (epidermal growth factor receptor; plus strand). Cytogenetic location: 7p11.2.
Variant type: single nucleotide variant.
Coding change: c.1438C>A on transcript NM_005228.5 (MANE Select); coding-DNA position 1438, C replaced by A.
Protein change: p.Leu480Met; replaces leucine 480 with methionine.
Molecular consequence: missense variant.
Genome position (GRCh38, 1-based): chr7:55,160,278, C>A. VCF-style: chr7-55160278-C-A. GRCh37 (hg19) VCF-style: chr7-55227971-C-A.
Other names: c.1438C>A (NM_005228.3); c.1303C>A, p.Leu435Met (NM_001346897.2, NM_001346899.2); c.1438C>A, p.Leu480Met (NM_001346898.2, NM_201282.2, NM_201284.2); c.1279C>A, p.Leu427Met (NM_001346900.2); c.637C>A, p.Leu213Met (NM_001346941.2); short protein forms L480M, L427M, L213M, L435M.
Identifiers: ClinVar variation 1362114 (VCV001362114.9), dbSNP rs147732025, ClinGen allele CA367579612.

ClinVar aggregate classification (germline): Uncertain significance. Review status: criteria provided, multiple submitters, no conflicts (2 of 4 stars). 2 submissions from 2 submitters: Uncertain significance (2). Last evaluated 2025-08-25.

Conditions:
Hereditary cancer-predisposing syndrome. Also called: Tumor predisposition; Hereditary neoplastic syndrome; Neoplastic Syndromes, Hereditary; Hereditary Cancer Syndrome. Identifiers: Orphanet 140162, MedGen C0027672, MeSH D009386, MONDO:0015356.
EGFR-related lung cancer (EGFR). Identifiers: MedGen CN130014.

gnomAD v4.1: 2 of 1,614,008 alleles (0.00012%); highest among the groups gnomAD compares: Non-Finnish European, 0.00017%; no homozygotes.

Submissions (2):

Ambry Genetics
Classification: Uncertain significance for Hereditary cancer-predisposing syndrome. Last evaluated: 2025-08-25. Review status: criteria provided, single submitter. Criteria: Ambry Variant Classification Scheme 2023. Collection method: clinical testing. Allele origin: germline.
Comment: The p.L480M variant (also known as c.1438C>A), located in coding exon 12 of the EGFR gene, results from a C to A substitution at nucleotide position 1438. The leucine at codon 480 is replaced by methionine, an amino acid with highly similar properties. This amino acid position is conserved. In addition, this alteration is predicted to be tolerated by in silico analysis. Based on the available evidence, the clinical significance of this variant remains unclear.

Labcorp Genetics (formerly Invitae), Labcorp
Classification: Uncertain significance for EGFR-related lung cancer. Last evaluated: 2020-11-14. Review status: criteria provided, single submitter. Criteria: Invitae Variant Classification Sherloc (09022015). Collection method: clinical testing. Allele origin: germline.
Comment: This sequence change replaces leucine with methionine at codon 480 of the EGFR protein (p.Leu480Met). The leucine residue is moderately conserved and there is a small physicochemical difference between leucine and methionine. This variant is not present in population databases (ExAC no frequency). This variant has not been reported in the literature in individuals with EGFR-related conditions. Algorithms developed to predict the effect of missense changes on protein structure and function are either unavailable or do not agree on the potential impact of this missense change (SIFT: "Tolerated"; PolyPhen-2: "Possibly Damaging"; Align-GVGD: "Class C0"). In summary, the available evidence is currently insufficient to determine the role of this variant in disease. Therefore, it has been classified as a Variant of Uncertain Significance.